The following is an entry in ClinVar:

ClinVar aggregate classification (germline): Pathogenic/Likely pathogenic. Review status: criteria provided, multiple submitters, no conflicts (2 of 4 stars). 4 submissions from 4 submitters: Pathogenic (2); Likely pathogenic (2). Last evaluated 2026-08-01.

Conditions:
MFRP-related disorder. Also called: MFRP-related condition; MFRP-related disorders.
Isolated microphthalmia 5. Also called: Posterior Microphthalmia with Retinitis Pigmentosa, Foveoschisis, and Optic Disc Drusen. Identifiers: Orphanet 251279, MedGen C1970236, MONDO:0012605, OMIM 611040.

Allele frequency attached by ClinVar (database versions not stated): gnomAD exomes 0.00001 and below 0.00001; TOPMed 0.00002.
gnomAD v4.1: 13 of 1,614,096 alleles (0.00081%); highest among the groups gnomAD compares: Non-Finnish European, 0.0011%; no homozygotes.

Submissions (4):

CeGaT Center for Human Genetics Tuebingen
Classification: Pathogenic. Last evaluated: 2026-08-01. Review status: criteria provided, single submitter. Criteria: CeGaT Center For Human Genetics Tuebingen Variant Classification Criteria Version 2. Collection method: clinical testing. Allele origin: germline. Affected: yes. Observed: 1 variant allele.
Comment: MFRP: PVS1, PM2, PM3:Supporting

Labcorp Genetics (formerly Invitae), Labcorp
Classification: Pathogenic for Isolated microphthalmia 5. Last evaluated: 2025-12-08. Review status: criteria provided, single submitter. Criteria: Invitae Variant Classification Sherloc (09022015). Collection method: clinical testing. Allele origin: germline.
Comment: This sequence change creates a premature translational stop signal (p.Cys285*) in the MFRP gene. It is expected to result in an absent or disrupted protein product. Loss-of-function variants in MFRP are known to be pathogenic (PMID: 12140190, 15976030, 20361016). This variant is present in population databases (no rsID available, gnomAD 0.0009%). This premature translational stop signal has been observed in individual(s) with clinical features of MFRP-related conditions (PMID: 28224992). ClinVar contains an entry for this variant (Variation ID: 866632). Algorithms developed to predict the effect of sequence changes on RNA splicing suggest that this variant may disrupt the consensus splice site. For these reasons, this variant has been classified as Pathogenic.

Institute of Human Genetics, University of Leipzig Medical Center
Classification: Likely pathogenic for Isolated microphthalmia 5. Last evaluated: 2021-08-10. Review status: criteria provided, single submitter. Criteria: ACMG Guidelines, 2015. Collection method: clinical testing. Allele origin: maternal. Affected: yes.
Comment: This variant was identified as compound heterozygous with NM_031433.4:c.665C>G.

Blueprint Genetics
Classification: Likely pathogenic for MFRP-related disorders. Last evaluated: 2020-10-09. Review status: criteria provided, single submitter. Criteria: ACMG Guidelines, 2015. Collection method: clinical testing. Allele origin: germline. Affected: yes. Observed: 5 variant alleles.

Literature cited by the submitters: PubMed 12140190 (cited by Labcorp Genetics (formerly Invitae), Labcorp); PubMed 15976030 (cited by Labcorp Genetics (formerly Invitae), Labcorp); PubMed 20361016 (cited by Labcorp Genetics (formerly Invitae), Labcorp); PubMed 28224992 (cited by Labcorp Genetics (formerly Invitae), Labcorp).

NM_031433.4(MFRP):c.855T>A (p.Cys285Ter)

Genes: C1QTNF5 (C1q and TNF related 5; minus strand), MFRP (membrane frizzled-related protein; minus strand). Cytogenetic location: 11q23.3.
Variant type: single nucleotide variant.
Coding change: c.855T>A on transcript NM_031433.4 (MANE Select); coding-DNA position 855, T replaced by A.
Protein change: p.Cys285Ter; replaces cysteine 285 with a stop codon.
Molecular consequence: nonsense. On other transcripts: 5 prime UTR variant (1).
Genome position (GRCh38, 1-based): chr11:119,344,675, A>T on the plus strand (T>A on the coding strand, the complement: MFRP is on the minus strand). VCF-style: chr11-119344675-A-T. GRCh37 (hg19) VCF-style: chr11-119215385-A-T.
Other names: c.-1782T>A (NM_015645.5); short protein forms C285*.
Identifiers: ClinVar variation 866632 (VCV000866632.12), dbSNP rs1243587288, ClinGen allele CA382976580.